The following is an entry in ClinVar:

ClinVar aggregate classification (germline): Uncertain significance (1 of 4 stars; one submission).

Conditions:
Ehlers-Danlos syndrome, classic type, 1 (EDSCL1). Also called: EHLERS-DANLOS SYNDROME, GRAVIS TYPE; EHLERS-DANLOS SYNDROME, SEVERE CLASSIC TYPE; Ehlers-Danlos syndrome, type 1; Ehlers-Danlos Syndrome, Classic Type, COL5A1-Related; EDS I. Identifiers: MedGen C0268335, MONDO:0019567, OMIM 130000.
Osteogenesis imperfecta type I (OI1). Also called: OI, TYPE I; OSTEOGENESIS IMPERFECTA TARDA; OSTEOGENESIS IMPERFECTA WITH BLUE SCLERAE; Osteogenesis imperfecta type 1; Lobstein's Disease; Lobstein disease. Identifiers: Orphanet 216796, Orphanet 666, MedGen C0023931, MONDO:0008146, OMIM 166200. Disease mechanism: loss of function.

Allele frequency attached by ClinVar (database versions not stated): TOPMed below 0.00001.

Submission:

Labcorp Genetics (formerly Invitae), Labcorp
Classification: Uncertain significance for Osteogenesis imperfecta type I; Ehlers-Danlos syndrome, classic type, 1. Last evaluated: 2022-07-26. Review status: criteria provided, single submitter. Criteria: Invitae Variant Classification Sherloc (09022015). Collection method: clinical testing. Allele origin: germline.
Comment: In summary, the available evidence is currently insufficient to determine the role of this variant in disease. Therefore, it has been classified as a Variant of Uncertain Significance. Algorithms developed to predict the effect of missense changes on protein structure and function are either unavailable or do not agree on the potential impact of this missense change (SIFT: "Deleterious"; PolyPhen-2: "Not Available"; Align-GVGD: "Class C0"). ClinVar contains an entry for this variant (Variation ID: 1525900). This variant has not been reported in the literature in individuals affected with COL1A2-related conditions. This variant is present in population databases (no rsID available, gnomAD 0.007%). This sequence change replaces cysteine, which is neutral and slightly polar, with arginine, which is basic and polar, at codon 1186 of the COL1A2 protein (p.Cys1186Arg).

NM_000089.4(COL1A2):c.3556T>C (p.Cys1186Arg)

Gene: COL1A2 (collagen type I alpha 2 chain; plus strand). Cytogenetic location: 7q21.3.
Variant type: single nucleotide variant.
Coding change: c.3556T>C on transcript NM_000089.4 (MANE Select); coding-DNA position 3556, T replaced by C.
Protein change: p.Cys1186Arg; replaces cysteine 1186 with arginine.
Molecular consequence: missense variant.
Genome position (GRCh38, 1-based): chr7:94,428,322, T>C. VCF-style: chr7-94428322-T-C. GRCh37 (hg19) VCF-style: chr7-94057634-T-C.
Other names: short protein forms C1186R.
Identifiers: ClinVar variation 1525900 (VCV001525900.6), dbSNP rs1421198378, ClinGen allele CA368226234.